The following is an entry in ClinVar:

NM_000459.5(TEK):c.3090G>A (p.Glu1030=)

Gene: TEK (TEK receptor tyrosine kinase; plus strand). Cytogenetic location: 9p21.2.
Variant type: single nucleotide variant.
Coding change: c.3090G>A on transcript NM_000459.5 (MANE Select); coding-DNA position 3090, G replaced by A.
Protein change: p.Glu1030=; no amino-acid change (glutamic acid 1030 retained).
Molecular consequence: synonymous variant.
Genome position (GRCh38, 1-based): chr9:27,218,804, G>A. VCF-style: chr9-27218804-G-A. GRCh37 (hg19) VCF-style: chr9-27218802-G-A.
Other names: p.Glu1030=; c.2961G>A, p.Glu987= (NM_001290077.2); c.2646G>A, p.Glu882= (NM_001290078.2); c.3087G>A, p.Glu1029= (NM_001375475.1); c.2958G>A, p.Glu986= (NM_001375476.1).
Identifiers: ClinVar variation 366448 (VCV000366448.22), dbSNP rs56133834, ClinGen allele CA5016712.

ClinVar aggregate classification (germline): Benign/Likely benign. Review status: criteria provided, multiple submitters, no conflicts (2 of 4 stars). 5 submissions from 5 submitters: Benign (3); Likely benign (2). Last evaluated 2025-11-25.

Conditions:
Multiple cutaneous and mucosal venous malformations (VMCM). Also called: TEK-Related Multiple Cutaneous and Mucosal Venous Malformations (VMCM). Identifiers: Orphanet 2451, MedGen C1838437, MONDO:0010842, OMIM 600195.

Allele frequency attached by ClinVar (database versions not stated): 1000 Genomes Project 30x 0.00031; 1000 Genomes Project 0.00040; ESP Exome Variant Server 0.00085; TOPMed 0.00091; ExAC 0.00119; gnomAD 0.00119 and 0.00121; gnomAD exomes 0.00122 and 0.00164.
gnomAD v4.1: 2,559 of 1,614,018 alleles (0.16%); highest among the groups gnomAD compares: Non-Finnish European, 0.18%; 9 homozygotes.

Submissions (5):

Labcorp Genetics (formerly Invitae), Labcorp
Classification: Benign. Last evaluated: 2025-11-25. Review status: criteria provided, single submitter. Criteria: Invitae Variant Classification Sherloc (09022015). Collection method: clinical testing. Allele origin: germline.

Mayo Clinic Laboratories, Mayo Clinic
Classification: Likely benign. Last evaluated: 2025-06-05. Review status: criteria provided, single submitter. Criteria: ACMG Guidelines, 2015. Collection method: clinical testing. Allele origin: germline. Observed: 3 variant alleles.
Comment: BS1, BP4, BP7

Blueprint Genetics
Classification: Likely benign. Last evaluated: 2024-11-26. Review status: criteria provided, single submitter. Criteria: ACMG Guidelines, 2015. Collection method: clinical testing. Allele origin: germline.

ARUP Laboratories, Molecular Genetics and Genomics, ARUP Laboratories
Classification: Benign. Last evaluated: 2018-07-05. Review status: criteria provided, single submitter. Criteria: ARUP Molecular Germline Variant Investigation Process. Collection method: clinical testing. Allele origin: germline.

Illumina Laboratory Services, Illumina
Classification: Benign for Multiple cutaneous and mucosal venous malformations. Last evaluated: 2018-01-12. Review status: criteria provided, single submitter. Criteria: ICSL Variant Classification Criteria 13 December 2019. Collection method: clinical testing. Allele origin: germline.
Comment: This variant was observed in the ICSL laboratory as part of a predisposition screen in an ostensibly healthy population. It had not been previously curated by ICSL or reported in the Human Gene Mutation Database (HGMD: prior to June 1st, 2018), and was therefore a candidate for classification through an automated scoring system. Utilizing variant allele frequency, disease prevalence and penetrance estimates, and inheritance mode, an automated score was calculated to assess if this variant is too frequent to cause the disease. Based on the score and internal cut-off values, a variant classified as benign is not then subjected to further curation. The score for this variant resulted in a classification of benign for this disease.